The following is an entry in ClinVar:

ClinVar aggregate classification (germline): Uncertain significance. Review status: criteria provided, multiple submitters, no conflicts (2 of 4 stars). 2 submissions from 2 submitters: Uncertain significance (2). Last evaluated 2025-04-11.

Conditions:
Inborn genetic diseases. Identifiers: MedGen C0950123, MeSH D030342.

Submissions (2):

Ambry Genetics
Classification: Uncertain significance for Inborn genetic diseases. Last evaluated: 2025-04-11. Review status: criteria provided, single submitter. Criteria: Ambry Variant Classification Scheme 2023. Collection method: clinical testing. Allele origin: germline.

Labcorp Genetics (formerly Invitae), Labcorp
Classification: Uncertain significance. Last evaluated: 2023-07-28. Review status: criteria provided, single submitter. Criteria: Invitae Variant Classification Sherloc (09022015). Collection method: clinical testing. Allele origin: germline.
Comment: In summary, the available evidence is currently insufficient to determine the role of this variant in disease. Therefore, it has been classified as a Variant of Uncertain Significance. Experimental studies and prediction algorithms are not available or were not evaluated, and the functional significance of this variant is currently unknown. ClinVar contains an entry for this variant (Variation ID: 1427000). This variant has not been reported in the literature in individuals affected with SMARCD2-related conditions. This variant is not present in population databases (gnomAD no frequency). This sequence change replaces proline, which is neutral and non-polar, with histidine, which is basic and polar, at codon 31 of the SMARCD2 protein (p.Pro31His).

NM_001098426.2(SMARCD2):c.92C>A (p.Pro31His)

Genes: SMARCD2 (SWI/SNF related BAF chromatin remodeling complex subunit D2; minus strand), LOC130061409 (ATAC-STARR-seq lymphoblastoid silent region 8832; plus strand). Cytogenetic location: 17q23.3.
Variant type: single nucleotide variant.
Coding change: c.92C>A on transcript NM_001098426.2 (MANE Select); coding-DNA position 92, C replaced by A.
Protein change: p.Pro31His; replaces proline 31 with histidine.
Molecular consequence: missense variant.
Genome position (GRCh38, 1-based): chr17:63,842,583, G>T on the plus strand (C>A on the coding strand, the complement: SMARCD2 is on the minus strand). VCF-style: chr17-63842583-G-T. GRCh37 (hg19) VCF-style: chr17-61919943-G-T.
Other names: c.92C>A (NM_001098426.1); short protein forms P31H.
Identifiers: ClinVar variation 1427000 (VCV001427000.6), dbSNP rs1422051848, ClinGen allele CA400602242.